The following is an entry in ClinVar:

ClinVar aggregate classification (germline): Uncertain significance (1 of 4 stars; one submission).

Submission:

Labcorp Genetics (formerly Invitae), Labcorp
Classification: Uncertain significance. Last evaluated: 2025-03-14. Review status: criteria provided, single submitter. Criteria: Invitae Variant Classification Sherloc (09022015). Collection method: clinical testing. Allele origin: germline.
Comment: This sequence change replaces threonine, which is neutral and polar, with lysine, which is basic and polar, at codon 82 of the SLC10A2 protein (p.Thr82Lys). This variant is not present in population databases (gnomAD no frequency). This variant has not been reported in the literature in individuals affected with SLC10A2-related conditions. Invitae Evidence Modeling of protein sequence and biophysical properties (such as structural, functional, and spatial information, amino acid conservation, physicochemical variation, residue mobility, and thermodynamic stability) indicates that this missense variant is expected to disrupt SLC10A2 protein function with a positive predictive value of 80%. In summary, the available evidence is currently insufficient to determine the role of this variant in disease. Therefore, it has been classified as a Variant of Uncertain Significance.

NM_000452.3(SLC10A2):c.245C>A (p.Thr82Lys)

Gene: SLC10A2 (solute carrier family 10 member 2; minus strand). Cytogenetic location: 13q33.1.
Variant type: single nucleotide variant.
Coding change: c.245C>A on transcript NM_000452.3 (MANE Select); coding-DNA position 245, C replaced by A.
Protein change: p.Thr82Lys; replaces threonine 82 with lysine.
Molecular consequence: missense variant.
Genome position (GRCh38, 1-based): chr13:103,066,005, G>T on the plus strand (C>A on the coding strand, the complement: SLC10A2 is on the minus strand). VCF-style: chr13-103066005-G-T. GRCh37 (hg19) VCF-style: chr13-103718355-G-T.
Other names: short protein forms T82K.
Identifiers: ClinVar variation 3666878 (VCV003666878.2).